The following is an entry in ClinVar:

NM_001378778.1(MPDZ):c.3G>A (p.Met1Ile)

Gene: MPDZ (multiple PDZ domain crumbs cell polarity complex component; minus strand). Cytogenetic location: 9p23.
Variant type: single nucleotide variant.
Coding change: c.3G>A on transcript NM_001378778.1 (MANE Select); coding-DNA position 3, G replaced by A.
Protein change: p.Met1Ile; changes the start codon (methionine 1).
Molecular consequence: missense variant, initiator codon variant.
Genome position (GRCh38, 1-based): chr9:13,250,313, C>T on the plus strand (G>A on the coding strand, the complement: MPDZ is on the minus strand). VCF-style: chr9-13250313-C-T. GRCh37 (hg19) VCF-style: chr9-13250312-C-T.
Other names: c.3G>A, p.Met1Ile (NM_001261406.2, NM_001261407.2, NM_001330637.2 and 14 more transcripts); short protein forms M1I.
Identifiers: ClinVar variation 1996740 (VCV001996740.5), dbSNP rs764803735, ClinGen allele CA4988298.

ClinVar aggregate classification (germline): Uncertain significance (1 of 4 stars; one submission).

Allele frequency attached by ClinVar (database versions not stated): gnomAD exomes below 0.00001; TOPMed below 0.00001.

Submission:

Labcorp Genetics (formerly Invitae), Labcorp
Classification: Uncertain significance. Last evaluated: 2022-05-20. Review status: criteria provided, single submitter. Criteria: Invitae Variant Classification Sherloc (09022015). Collection method: clinical testing. Allele origin: germline.
Comment: In summary, the available evidence is currently insufficient to determine the role of this variant in disease. Therefore, it has been classified as a Variant of Uncertain Significance. Experimental studies and prediction algorithms are not available or were not evaluated, and the functional significance of this variant is currently unknown. This variant has not been reported in the literature in individuals affected with MPDZ-related conditions. This variant is not present in population databases (gnomAD no frequency). This sequence change affects the initiator methionine of the MPDZ mRNA. The next in-frame methionine is located at codon 129.